The following is an entry in ClinVar:

NM_000288.4(PEX7):c.632del (p.Glu211fs)

Gene: PEX7 (peroxisomal biogenesis factor 7; plus strand). Cytogenetic location: 6q23.3.
Variant type: Deletion.
Coding change: c.632del on transcript NM_000288.4 (MANE Select); coding-DNA position 632, one base deleted (A; older notation c.632delA).
Protein change: p.Glu211fs; shifts the reading frame from glutamic acid 211.
Molecular consequence: frameshift variant.
Genome position (GRCh38, 1-based): chr6:136,866,732, A deleted. VCF-style (leftmost placement, unchanged base first): chr6-136866731-GA-G. GRCh37 (hg19) VCF-style: chr6-137187869-GA-G.
Other names: c.518del, p.Glu173fs (NM_001410945.1); c.632delA (NM_000288.3); short protein forms E173fs, E211fs.
Identifiers: ClinVar variation 3593209 (VCV003593209.2).
Genomic context (GRCh38, chr6:136,866,731, plus strand): 5'-AGAATCGTGATTCCTGCACATCAGGCAGAAATCTTGAGTTGTGACTGGTGTAAATACAAT[GA>G]GGTATAGTGTATGGCTCTATCCTATGCTGCTGTCCTTCCTAATGTTAAAATGTTCTGAAT-3'

ClinVar aggregate classification (germline): Likely pathogenic. Review status: criteria provided, multiple submitters, no conflicts (2 of 4 stars). 2 submissions from 2 submitters: Likely pathogenic (2). Last evaluated 2025-02-13.

Conditions:
Rhizomelic chondrodysplasia punctata type 1 (RCDP1). Also called: CHONDRODYSTROPHIA CALCIFICANS PUNCTATA; PEX7-Related Rhizomelic Chondrodysplasia Punctata; PEROXISOME BIOGENESIS DISORDER 9. Identifiers: Orphanet 177, Orphanet 309789, MedGen C1859133, MONDO:0008972, OMIM 215100. Disease mechanism: loss of function.
Peroxisome biogenesis disorder 9B. Also called: PEX7-Related Refsum Disease; Refsum disease, adult, 2; PEROXISOME BIOGENESIS DISORDER, PEX7-RELATED, ATYPICAL. Identifiers: Orphanet 773, MedGen C2749346, MONDO:0013945, OMIM 614879.
Rhizomelic chondrodysplasia punctata (RCDP). Identifiers: Orphanet 177, MedGen C0282529, MONDO:0015776. Disease mechanism: loss of function.

Submissions (2):

Natera, Inc.
Classification: Likely pathogenic for Rhizomelic Chondrodysplasia Punctata. Last evaluated: 2025-02-13. Review status: criteria provided, single submitter. Criteria: Natera Variant Classification Schema (03/2026). Collection method: clinical testing. Allele origin: germline.
Comment: The c.632delA variant in PEX7 is a frameshift variant predicted to shift the reading frame beginning at codon 211 and leads to a stop codon 5 codons downstream. This variant is expected to result in nonsense mediated decay, truncation, or a dysfunctional protein product. This variant is rare in the general population with a frequency below the threshold expected for the associated phenotype(s). Given the available evidence, this variant is classified as Likely Pathogenic.

Fulgent Genetics
Classification: Likely pathogenic for Rhizomelic chondrodysplasia punctata type 1; Peroxisome biogenesis disorder 9B. Last evaluated: 2024-06-10. Review status: criteria provided, single submitter. Criteria: ACMG Guidelines, 2015. Collection method: clinical testing. Allele origin: germline.